The following is an entry in ClinVar:

ClinVar aggregate classification (germline): Uncertain significance (1 of 4 stars; one submission).

Submission:

Labcorp Genetics (formerly Invitae), Labcorp
Classification: Uncertain significance. Last evaluated: 2025-08-27. Review status: criteria provided, single submitter. Criteria: Invitae Variant Classification Sherloc (09022015). Collection method: clinical testing. Allele origin: germline.
Comment: This variant, c.1301_1303del, results in the deletion of 1 amino acid(s) of the ASXL2 protein (p.Glu434del), but otherwise preserves the integrity of the reading frame. This variant is present in population databases (no rsID available, gnomAD 0.006%). This variant has not been reported in the literature in individuals affected with ASXL2-related conditions. Experimental studies and prediction algorithms are not available or were not evaluated, and the functional significance of this variant is currently unknown. In summary, the available evidence is currently insufficient to determine the role of this variant in disease. Therefore, it has been classified as a Variant of Uncertain Significance.

NM_018263.6(ASXL2):c.1295AAG[2] (p.Glu434del)

Gene: ASXL2 (ASXL transcriptional regulator 2; minus strand). Cytogenetic location: 2p23.3.
Variant type: Microsatellite.
Coding change: c.1295AAG[2] on transcript NM_018263.6 (MANE Select); two copies in a row of the 3-base unit AAG starting at c.1295; the reference has three copies in a row; one copy, 3 bases deleted.
Protein change: p.Glu434del; deletes glutamic acid 434.
Molecular consequence: inframe deletion.
Genome position (GRCh38, 1-based): chr2:25,750,253-25,750,255, CTT deleted on the plus strand (AAG on the coding strand, the reverse complement: ASXL2 is on the minus strand); deleting any 3 consecutive bases within chr2:25,750,253-25,750,261 gives the same sequence; the position shown is the placement nearest the transcript's 3' end. VCF-style (leftmost placement, unchanged base first): chr2-25750252-GCTT-G. GRCh37 (hg19) VCF-style: chr2-25973121-GCTT-G.
Other names: c.1121AAG[2], p.Glu376del (NM_001369346.1); c.515AAG[2], p.Glu174del (NM_001369347.1); short protein forms E174del, E376del, E434del.
Identifiers: ClinVar variation 1426379 (VCV001426379.8), dbSNP rs1290246799, ClinGen allele CA531761077.